The following continues an entry in ClinVar:

NM_005188.4(CBL):c.1259G>A (p.Arg420Gln)

Gene: CBL. ClinVar aggregate classification (germline): Pathogenic/Likely pathogenic. Pathogenic (6); Likely pathogenic (8).

Submissions 11 to 19 of 19:

Women's Health and Genetics/Laboratory Corporation of America, LabCorp
Classification: Pathogenic for RASopathy. Last evaluated: 2023-03-07. Review status: criteria provided, single submitter. Criteria: LabCorp Variant Classification Summary - May 2015. Collection method: clinical testing. Allele origin: germline.
Comment: Variant summary: CBL c.1259G>A (p.Arg420Gln) results in a conservative amino acid change to a highly conserved residue (HGMD) located in the RING-type Zinc finger (IPR001841) of the encoded protein sequence. Four of five in-silico tools predict a damaging effect of the variant on protein function. The variant allele was found at a frequency of 4e-06 in 251418 control chromosomes. c.1259G>A has been reported in the literature in individuals affected with Noonan Syndrome And Related Conditions (e.g. Digilio_2010, Kauffmann_2021, Martinelli_2010). These data indicate that the variant is likely to be associated with disease. At least three publications report experimental evidence evaluating an impact on protein function, finding that the variant inhibits CBL ubiquitin ligase function and EGFR trafficking (Sargin_2007, Martinelli_2010, Brand_2014). Seven submitters have provided clinical-significance assessments for this variant to ClinVar after 2014, and classified it as pathogenic/likely pathogenic (n=6) or uncertain significance (n=1). Based on the evidence outlined above, the variant was classified as pathogenic.

Greenwood Genetic Center Diagnostic Laboratories, Greenwood Genetic Center
Classification: Likely pathogenic for CBL-related disorder. Last evaluated: 2021-12-28. Review status: criteria provided, single submitter. Criteria: ACMG Guidelines, 2015. Collection method: clinical testing. Allele origin: germline. Affected: yes.
Comment: PS3, PM2

Revvity Omics, Revvity
Classification: Likely pathogenic. Last evaluated: 2021-12-06. Review status: criteria provided, single submitter. Criteria: ACMG Guidelines, 2015. Collection method: clinical testing. Allele origin: germline.

Institute of Human Genetics, University of Leipzig Medical Center
Classification: Likely pathogenic for CBL-related disorder. Last evaluated: 2021-01-26. Review status: criteria provided, single submitter. Criteria: ACMG Guidelines, 2015. Collection method: clinical testing. Allele origin: unknown. Affected: yes.

PreventionGenetics, part of Exact Sciences
Classification: Likely pathogenic for CBL-related condition. Last evaluated: 2024-06-16. Review status: no assertion criteria provided. Collection method: clinical testing. Allele origin: germline. Not counted in ClinVar's aggregate classification.
Comment: The CBL c.1259G>A variant is predicted to result in the amino acid substitution p.Arg420Gln. This variant has been reported in an individual with acute myeloid leukemia (AML) (Sargin et al. 2007. PubMed ID: 17446348), and in a family with Noonan syndrome-like phenotype (Martinelli et al. 2010. PubMed ID: 20619386). This variant alters the conserved residue located in the RING finger domain which is a known mutational hot spot in myeloid malignancies. Functional studies showed that this variant causes aberrant ubiquitylation and trafficking of EGFR (Martinelli et al. 2010. PubMed ID: 20619386; Brand et al. 2014. PubMed ID: 25178484; Kiel et al. 2014. PubMed ID: 24803665). This variant is reported in 0.0028% of alleles in individuals of Latino descent in gnomAD. In summary, this variant is interpreted as likely pathogenic.

Human Genome Sequencing Center Clinical Lab, Baylor College of Medicine
Classification: Pathogenic for Rhabdomyosarcoma. Last evaluated: 2020-09-01. Review status: no assertion criteria provided. Collection method: provider interpretation. Allele origin: germline. Affected: yes. Not counted in ClinVar's aggregate classification.

OMIM
Classification: Pathogenic for NOONAN SYNDROME-LIKE DISORDER WITHOUT JUVENILE MYELOMONOCYTIC LEUKEMIA. Last evaluated: 2010-08-13. Review status: no assertion criteria provided. Collection method: literature only. Allele origin: germline. Not counted in ClinVar's aggregate classification.

Molecular Diagnostics Laboratory, University of Rochester Medical Center
Classification: Likely pathogenic for Myeloproliferative disorder. Review status: no assertion criteria provided. Collection method: provider interpretation. Allele origin: germline. Affected: yes. Not counted in ClinVar's aggregate classification.

Institute of Immunology and Genetics Kaiserslautern
Classification: Uncertain significance for CBL-related disorder. Last evaluated: 2025-06-18. Review status: flagged submission. Criteria: ACMG Guidelines, 2015. Collection method: clinical testing. Allele origin: germline. Affected: yes. Not counted in ClinVar's aggregate classification.
Comment: ACMG Criteria: PM2, PP3, PP5; Variant was found in heterozygous state.
ClinVar note: Reason: Outlier claim with insufficient supporting evidence

Literature cited by the submitters: PubMed 20619386 (cited by 6 submitters); PubMed 25952305 (cited by Victorian Clinical Genetics Services, Murdoch Childrens Research Institute); PubMed 20694012 (cited by Victorian Clinical Genetics Services, Murdoch Childrens Research Institute); PubMed 22190897 (cited by 3 submitters); PubMed 25178484 (cited by 4 submitters); PubMed 20619389 (cited by Victorian Clinical Genetics Services, Murdoch Childrens Research Institute); PubMed 33318624 (cited by 4 submitters); PubMed 17446348 (cited by 3 submitters); PubMed 22246246 (cited by Labcorp Genetics (formerly Invitae), Labcorp and Molecular Diagnostics Laboratory, University of Rochester Medical Center); PubMed 33627783 (cited by Labcorp Genetics (formerly Invitae), Labcorp); PubMed 35583390 (cited by Variantyx, Inc.); PubMed 25224413 (cited by Women's Health and Genetics/Laboratory Corporation of America, LabCorp); PubMed 21828135 (cited by Women's Health and Genetics/Laboratory Corporation of America, LabCorp); PubMed 23690417 (cited by Women's Health and Genetics/Laboratory Corporation of America, LabCorp); PubMed 19387008 (cited by Women's Health and Genetics/Laboratory Corporation of America, LabCorp); PubMed 19901108 (cited by Women's Health and Genetics/Laboratory Corporation of America, LabCorp); PubMed 20951944 (cited by Women's Health and Genetics/Laboratory Corporation of America, LabCorp); PubMed 19620960 (cited by Women's Health and Genetics/Laboratory Corporation of America, LabCorp); PubMed 22733026 (cited by Women's Health and Genetics/Laboratory Corporation of America, LabCorp and Molecular Diagnostics Laboratory, University of Rochester Medical Center); PubMed 29296819 (cited by Women's Health and Genetics/Laboratory Corporation of America, LabCorp); PubMed 23010802 (cited by Women's Health and Genetics/Laboratory Corporation of America, LabCorp); PubMed 27069254 (cited by Women's Health and Genetics/Laboratory Corporation of America, LabCorp and Molecular Diagnostics Laboratory, University of Rochester Medical Center).